The following is an entry in ClinVar:

NM_004606.5(TAF1):c.4688A>G (p.Tyr1563Cys)

Gene: TAF1 (TATA-box binding protein associated factor 1; plus strand). Cytogenetic location: Xq13.1.
Variant type: single nucleotide variant.
Coding change: c.4688A>G on transcript NM_004606.5 (MANE Select); coding-DNA position 4688, A replaced by G.
Protein change: p.Tyr1563Cys; replaces tyrosine 1563 with cysteine.
Molecular consequence: missense variant. On other transcripts: non-coding transcript variant (9).
Genome position (GRCh38, 1-based): chrX:71,424,173, A>G. VCF-style: chrX-71424173-A-G. GRCh37 (hg19) VCF-style: chrX-70644023-A-G.
Other names: c.4688A>G, p.Tyr1563Cys (NM_001286074.2); c.4625A>G, p.Tyr1542Cys (NM_138923.4); short protein forms Y1542C, Y1563C.
Identifiers: ClinVar variation 3236101 (VCV003236101.1), dbSNP rs2521644524, ClinGen allele CA413543022.

ClinVar aggregate classification (germline): Uncertain significance (1 of 4 stars; one submission).

Conditions:
Intellectual developmental disorder, X-linked, syndromic 33. Also called: Intellectual disability, X-linked, syndromic 33; X-linked intellectual disability-global development delay-facial dysmorphism-sacral caudal remnant syndrome. Identifiers: Orphanet 480907, MedGen C4225418, MONDO:0010500, OMIM 300966.

Submission:

MVZ Medizinische Genetik Mainz
Classification: Uncertain significance for Intellectual developmental disorder, X-linked, syndromic 33. Last evaluated: 2024-01-09. Review status: criteria provided, single submitter. Criteria: UK Practice Guidelines For Variant Classification V4 01 2020. Collection method: clinical testing. Allele origin: germline. Inheritance: X-linked dominant inheritance. Affected: yes. Observed: 1 variant allele.
Comment: ACMG Criteria: PP3_MOD,PM2_SUP,PP2